The following is an entry in ClinVar:

ClinVar aggregate classification (germline): Likely benign (1 of 4 stars; one submission).

Conditions:
CREBBP-related disorder. Also called: CREBBP-related condition; CREBBP-related disorders.

gnomAD v4.1: 2 of 1,613,912 alleles (0.00012%); highest among the groups gnomAD compares: African/African-American, 0.0027%; no homozygotes.

Submission:

PreventionGenetics, part of Exact Sciences
Classification: Likely benign for CREBBP-related condition. Last evaluated: 2024-12-06. Review status: criteria provided, single submitter. Criteria: ACMG Guidelines, 2015. Collection method: clinical testing. Allele origin: germline.
Comment: This variant is classified as likely benign based on ACMG/AMP sequence variant interpretation guidelines (Richards et al. 2015 PMID: 25741868, with internal and published modifications).

NM_004380.3(CREBBP):c.3894T>C (p.Tyr1298=)

Gene: CREBBP (CREB binding lysine acetyltransferase; minus strand). Cytogenetic location: 16p13.3.
Variant type: single nucleotide variant.
Coding change: c.3894T>C on transcript NM_004380.3 (MANE Select); coding-DNA position 3894, T replaced by C.
Protein change: p.Tyr1298=; no amino-acid change (tyrosine 1298 retained).
Molecular consequence: synonymous variant.
Genome position (GRCh38, 1-based): chr16:3,745,297, A>G on the plus strand (T>C on the coding strand, the complement: CREBBP is on the minus strand). VCF-style: chr16-3745297-A-G. GRCh37 (hg19) VCF-style: chr16-3795298-A-G.
Other names: c.3780T>C, p.Tyr1260= (NM_001079846.1).
Identifiers: ClinVar variation 4998431 (VCV004998431.1).